The following is an entry in ClinVar:

NM_182972.3(IRF2BP2):c.452C>T (p.Pro151Leu)

Genes: IRF2BP2 (interferon regulatory factor 2 binding protein 2; minus strand), LOC129932812 (ATAC-STARR-seq lymphoblastoid silent region 1977; plus strand). Cytogenetic location: 1q42.3.
Variant type: single nucleotide variant.
Coding change: c.452C>T on transcript NM_182972.3 (MANE Select); coding-DNA position 452, C replaced by T.
Protein change: p.Pro151Leu; replaces proline 151 with leucine.
Molecular consequence: missense variant.
Genome position (GRCh38, 1-based): chr1:234,609,043, G>A on the plus strand (C>T on the coding strand, the complement: IRF2BP2 is on the minus strand). VCF-style: chr1-234609043-G-A. GRCh37 (hg19) VCF-style: chr1-234744789-G-A.
Other names: c.452C>T, p.Pro151Leu (NM_001077397.1); short protein forms P151L.
Identifiers: ClinVar variation 2796470 (VCV002796470.3), dbSNP rs1469997593, ClinGen allele CA345310327.
Genomic context (GRCh38, chr1:234,609,043, plus strand): 5'-AGCTCGGGCGGCTCCTCTAGCTTGGAGAAGCCGTTGGGCACCAGGATGCCGTTCACGGGC[G>A]GCGGCTGCGGCGTCGGCGGCTGGGCCAGGCTCGCTGCCGGGCGGCTGCTGCCGAAGTCAG-3'
Protein context (NP_892017.2, residues 141-161): SLAQPPTPQP[Pro151Leu]PVNGILVPNG

ClinVar aggregate classification (germline): Uncertain significance (1 of 4 stars; one submission).

Allele frequency attached by ClinVar (database versions not stated): gnomAD 0.00001; gnomAD exomes 0.00001; TOPMed 0.00001.
gnomAD v4.1: 4 of 1,296,694 alleles (0.00031%); highest among the groups gnomAD compares: African/African-American, 0.0031%; no homozygotes.

Submission:

Labcorp Genetics (formerly Invitae), Labcorp
Classification: Uncertain significance. Last evaluated: 2023-02-14. Review status: criteria provided, single submitter. Criteria: Invitae Variant Classification Sherloc (09022015). Collection method: clinical testing. Allele origin: germline.
Comment: This sequence change replaces proline, which is neutral and non-polar, with leucine, which is neutral and non-polar, at codon 151 of the IRF2BP2 protein (p.Pro151Leu). This variant is present in population databases (no rsID available, gnomAD 0.01%). This variant has not been reported in the literature in individuals affected with IRF2BP2-related conditions. Algorithms developed to predict the effect of missense changes on protein structure and function are either unavailable or do not agree on the potential impact of this missense change (SIFT: "Deleterious"; PolyPhen-2: "Benign"; Align-GVGD: "Class C0"). In summary, the available evidence is currently insufficient to determine the role of this variant in disease. Therefore, it has been classified as a Variant of Uncertain Significance.